The following is an entry in ClinVar:

ClinVar aggregate classification (germline): Uncertain significance (1 of 4 stars; one submission).

Allele frequency attached by ClinVar (database versions not stated): gnomAD exomes 0.00001.
gnomAD v4.1: 5 of 1,614,222 alleles (0.00031%); highest among the groups gnomAD compares: Non-Finnish European, 0.00042%; no homozygotes.

Submission:

Labcorp Genetics (formerly Invitae), Labcorp
Classification: Uncertain significance. Last evaluated: 2022-04-09. Review status: criteria provided, single submitter. Criteria: Invitae Variant Classification Sherloc (09022015). Collection method: clinical testing. Allele origin: germline.
Comment: This sequence change replaces isoleucine, which is neutral and non-polar, with threonine, which is neutral and polar, at codon 1106 of the DUOX2 protein (p.Ile1106Thr). This variant is not present in population databases (gnomAD no frequency). This variant has not been reported in the literature in individuals affected with DUOX2-related conditions. Advanced modeling of protein sequence and biophysical properties (such as structural, functional, and spatial information, amino acid conservation, physicochemical variation, residue mobility, and thermodynamic stability) performed at Invitae indicates that this missense variant is expected to disrupt DUOX2 protein function. In summary, the available evidence is currently insufficient to determine the role of this variant in disease. Therefore, it has been classified as a Variant of Uncertain Significance.

NM_001363711.2(DUOX2):c.3317T>C (p.Ile1106Thr)

Gene: DUOX2 (dual oxidase 2; minus strand). Cytogenetic location: 15q21.1.
Variant type: single nucleotide variant.
Coding change: c.3317T>C on transcript NM_001363711.2 (MANE Select); coding-DNA position 3317, T replaced by C.
Protein change: p.Ile1106Thr; replaces isoleucine 1106 with threonine.
Molecular consequence: missense variant.
Genome position (GRCh38, 1-based): chr15:45,099,760, A>G on the plus strand (T>C on the coding strand, the complement: DUOX2 is on the minus strand). VCF-style: chr15-45099760-A-G. GRCh37 (hg19) VCF-style: chr15-45391958-A-G.
Other names: c.3317T>C, p.Ile1106Thr (NM_014080.5); short protein forms I1106T.
Identifiers: ClinVar variation 2123435 (VCV002123435.1), dbSNP rs772253164, ClinGen allele CA270122600.
Genomic context (GRCh38, chr15:45,099,760, plus strand): 5'-AAGTCCACTGCGGCATCAAAAGGCACATAGCGGTTGAGGAAAGTCTCTCGCAGGAAGGTT[A>G]TGAGGTTGCGGCACATGGTGAGCAAGATATAAGAGAACATGAAGGAGACGCTGGCCGCCG-3'
Protein context (NP_001350640.1, residues 1096-1116): YILLTMCRNL[Ile1106Thr]TFLRETFLNR